The following is an entry in ClinVar:

ClinVar aggregate classification (germline): Uncertain significance (1 of 4 stars; one submission).

gnomAD v4.1: 10 of 1,608,394 alleles (0.00062%); highest among the groups gnomAD compares: Admixed American, 0.0067%; no homozygotes.

Submission:

Labcorp Genetics (formerly Invitae), Labcorp
Classification: Uncertain significance. Last evaluated: 2025-10-11. Review status: criteria provided, single submitter. Criteria: Invitae Variant Classification Sherloc (09022015). Collection method: clinical testing. Allele origin: germline.
Comment: This sequence change replaces glutamine, which is neutral and polar, with glutamic acid, which is acidic and polar, at codon 651 of the NIN protein (p.Gln651Glu). This variant is present in population databases (rs757522259, gnomAD 0.01%). This variant has not been reported in the literature in individuals affected with NIN-related conditions. ClinVar contains an entry for this variant (Variation ID: 3614286). An algorithm developed to predict the effect of missense changes on protein structure and function (PolyPhen-2) suggests that this variant is likely to be tolerated. In summary, the available evidence is currently insufficient to determine the role of this variant in disease. Therefore, it has been classified as a Variant of Uncertain Significance.

NM_020921.4(NIN):c.1951C>G (p.Gln651Glu)

Genes: NIN (ninein; minus strand), LOC130055602 (ATAC-STARR-seq lymphoblastoid active region 8362; plus strand). Cytogenetic location: 14q22.1.
Variant type: single nucleotide variant.
Coding change: c.1951C>G on transcript NM_020921.4 (MANE Select); coding-DNA position 1951, C replaced by G.
Protein change: p.Gln651Glu; replaces glutamine 651 with glutamic acid.
Molecular consequence: missense variant.
Genome position (GRCh38, 1-based): chr14:50,760,305, G>C on the plus strand (C>G on the coding strand, the complement: NIN is on the minus strand). VCF-style: chr14-50760305-G-C. GRCh37 (hg19) VCF-style: chr14-51227023-G-C.
Other names: c.1951C>G, p.Gln651Glu (NM_016350.5, NM_182944.3, NM_182946.2); short protein forms Q651E.
Identifiers: ClinVar variation 3614286 (VCV003614286.2).